The following is an entry in ClinVar:

ClinVar aggregate classification (germline): Likely pathogenic (1 of 4 stars; one submission).

Conditions:
CNOT9-associated neurodevelopmental disorder.

Submission:

Institute of Human Genetics, University of Leipzig Medical Center
Classification: Likely pathogenic for CNOT9-associated neurodevelopmental disorder. Last evaluated: 2022-09-28. Review status: criteria provided, single submitter. Criteria: ACMG Guidelines, 2015. Collection method: clinical testing. Allele origin: de novo. Affected: yes. Observed: 1 variant allele.
Comment: PS2_MOD, PM1, PM2_SUP, PP2

NM_005444.3(CNOT9):c.136C>G (p.Arg46Gly)

Gene: CNOT9 (CCR4-NOT transcription complex subunit 9; plus strand). Cytogenetic location: 2q35.
Variant type: single nucleotide variant.
Coding change: c.136C>G on transcript NM_005444.3 (MANE Select); coding-DNA position 136, C replaced by G.
Protein change: p.Arg46Gly; replaces arginine 46 with glycine.
Molecular consequence: missense variant. On other transcripts: non-coding transcript variant (1).
Genome position (GRCh38, 1-based): chr2:218,580,672, C>G. VCF-style: chr2-218580672-C-G. GRCh37 (hg19) VCF-style: chr2-219445395-C-G.
Other names: c.136C>G, p.Arg46Gly (NM_001271634.2, NM_001271635.2); short protein forms R46G.
Identifiers: ClinVar variation 1707499 (VCV001707499.1), dbSNP rs2469453674, ClinGen allele CA350566916.